The following is an entry in ClinVar:

NM_018685.5(ANLN):c.437T>C (p.Met146Thr)

Gene: ANLN (anillin, actin binding protein; plus strand). Cytogenetic location: 7p14.2.
Variant type: single nucleotide variant.
Coding change: c.437T>C on transcript NM_018685.5 (MANE Select); coding-DNA position 437, T replaced by C.
Protein change: p.Met146Thr; replaces methionine 146 with threonine.
Molecular consequence: missense variant.
Genome position (GRCh38, 1-based): chr7:36,399,343, T>C. VCF-style: chr7-36399343-T-C. GRCh37 (hg19) VCF-style: chr7-36438952-T-C.
Other names: c.437T>C, p.Met146Thr (NM_001284301.3, NM_001284302.3); short protein forms M146T.
Identifiers: ClinVar variation 1964058 (VCV001964058.5), dbSNP rs2534497828, ClinGen allele CA367204718.

ClinVar aggregate classification (germline): Uncertain significance. Review status: criteria provided, multiple submitters, no conflicts (2 of 4 stars). 2 submissions from 2 submitters: Uncertain significance (2). Last evaluated 2023-06-22.

Conditions:
Focal segmental glomerulosclerosis 8 (FSGS8). Identifiers: Orphanet 656, MedGen C4014993, MONDO:0014462, OMIM 616032.

Allele frequency attached by ClinVar (database versions not stated): gnomAD exomes below 0.00001.

Submissions (2):

Neuberg Centre For Genomic Medicine, NCGM
Classification: Uncertain significance for Focal segmental glomerulosclerosis 8. Last evaluated: 2023-06-22. Review status: criteria provided, single submitter. Criteria: ACMG Guidelines, 2015. Collection method: clinical testing. Allele origin: germline. Inheritance: Autosomal dominant inheritance. Affected: yes.
Comment: The missense c.437T>C(p.Met146Thr) variant in ANLN gene has not been reported previously as a pathogenic variant nor as a benign variant, to our knowledge. The p.Met146Thr variant is absent in gnomAD Exomes. This variant has been submitted to the ClinVar database as Uncertain Significance. Multiple lines of computational evidences (Polyphen - Probably damaging, SIFT - Damaging and MutationTaster - Disease causing) predict a damaging effect on protein structure and function for this variant. The reference amino acid at this position on ANLN gene is predicted as conserved by GERP++ and PhyloP across 100 vertebrates. The amino acid Met at position 146 is changed to a Thr changing protein sequence and it might alter its composition and physico-chemical properties. For these reasons, this variant has been classified as a Variant of Uncertain Significance (VUS).

Labcorp Genetics (formerly Invitae), Labcorp
Classification: Uncertain significance. Last evaluated: 2022-10-02. Review status: criteria provided, single submitter. Criteria: Invitae Variant Classification Sherloc (09022015). Collection method: clinical testing. Allele origin: germline.
Comment: In summary, the available evidence is currently insufficient to determine the role of this variant in disease. Therefore, it has been classified as a Variant of Uncertain Significance. Algorithms developed to predict the effect of missense changes on protein structure and function are either unavailable or do not agree on the potential impact of this missense change (SIFT: "Deleterious"; PolyPhen-2: "Probably Damaging"; Align-GVGD: "Class C0"). This variant has not been reported in the literature in individuals affected with ANLN-related conditions. This variant is not present in population databases (gnomAD no frequency). This sequence change replaces methionine, which is neutral and non-polar, with threonine, which is neutral and polar, at codon 146 of the ANLN protein (p.Met146Thr).